The following is an entry in ClinVar:

NM_183235.3(RAB27A):c.*472A>C

Gene: RAB27A (RAB27A, member RAS oncogene family; minus strand). Cytogenetic location: 15q21.3.
Variant type: single nucleotide variant.
Coding change: c.*472A>C on transcript NM_183235.3 (MANE Select); 472 bases downstream of the stop codon, A replaced by C.
Molecular consequence: 3 prime UTR variant.
Genome position (GRCh38, 1-based): chr15:55,205,035, T>G on the plus strand (A>C on the coding strand, the complement: RAB27A is on the minus strand). VCF-style: chr15-55205035-T-G. GRCh37 (hg19) VCF-style: chr15-55497233-T-G.
Other names: c.*472A>C (NM_004580.5, NM_183234.3, NM_183236.3).
Identifiers: ClinVar variation 885883 (VCV000885883.4), dbSNP rs116723038, ClinGen allele CA271242079.

ClinVar aggregate classification (germline): Benign (1 of 4 stars; one submission).

Conditions:
Griscelli syndrome type 2 (GS2). Also called: GRISCELLI SYNDROME WITH HEMOPHAGOCYTIC SYNDROME; PAID SYNDROME; PARTIAL ALBINISM AND IMMUNODEFICIENCY SYNDROME. Identifiers: Orphanet 381, Orphanet 79477, MedGen C1868679, MONDO:0011872, OMIM 607624.

Allele frequency attached by ClinVar (database versions not stated): gnomAD exomes 0.00028; 1000 Genomes Project 0.00419; TOPMed 0.00434; gnomAD 0.00437 and 0.00475; 1000 Genomes Project 30x 0.00453.
gnomAD v4.1: 675 of 201,418 alleles (0.34%); highest among the groups gnomAD compares: African/African-American, 1.5%; 11 homozygotes.

Submission:

Illumina Laboratory Services, Illumina
Classification: Benign for Griscelli syndrome type 2. Last evaluated: 2018-01-12. Review status: criteria provided, single submitter. Criteria: ICSL Variant Classification Criteria 13 December 2019. Collection method: clinical testing. Allele origin: germline.
Comment: This variant was observed in the ICSL laboratory as part of a predisposition screen in an ostensibly healthy population. It had not been previously curated by ICSL or reported in the Human Gene Mutation Database (HGMD: prior to June 1st, 2018), and was therefore a candidate for classification through an automated scoring system. Utilizing variant allele frequency, disease prevalence and penetrance estimates, and inheritance mode, an automated score was calculated to assess if this variant is too frequent to cause the disease. Based on the score and internal cut-off values, a variant classified as benign is not then subjected to further curation. The score for this variant resulted in a classification of benign for this disease.